The following is an entry in ClinVar:

ClinVar aggregate classification (germline): Uncertain significance (1 of 4 stars; one submission).

Conditions:
Pyogenic arthritis-pyoderma gangrenosum-acne syndrome (PAPA). Also called: FAMILIAL RECURRENT ARTHRITIS; PAPA SYNDROME. Identifiers: Orphanet 69126, MedGen C1858361, MONDO:0011462, OMIM 604416.

Allele frequency attached by ClinVar (database versions not stated): gnomAD 0.00001; TOPMed 0.00001.
gnomAD v4.1: 2 of 1,590,662 alleles (0.00013%); highest among the groups gnomAD compares: Admixed American, 0.0018%; no homozygotes.

Submission:

Labcorp Genetics (formerly Invitae), Labcorp
Classification: Uncertain significance for Pyogenic arthritis-pyoderma gangrenosum-acne syndrome. Last evaluated: 2023-03-10. Review status: criteria provided, single submitter. Criteria: Invitae Variant Classification Sherloc (09022015). Collection method: clinical testing. Allele origin: germline.
Comment: This sequence change replaces leucine, which is neutral and non-polar, with proline, which is neutral and non-polar, at codon 25 of the PSTPIP1 protein (p.Leu25Pro). This variant is not present in population databases (gnomAD no frequency). This variant has not been reported in the literature in individuals affected with PSTPIP1-related conditions. Advanced modeling of protein sequence and biophysical properties (such as structural, functional, and spatial information, amino acid conservation, physicochemical variation, residue mobility, and thermodynamic stability) performed at Invitae indicates that this missense variant is expected to disrupt PSTPIP1 protein function. In summary, the available evidence is currently insufficient to determine the role of this variant in disease. Therefore, it has been classified as a Variant of Uncertain Significance.

NM_003978.5(PSTPIP1):c.74T>C (p.Leu25Pro)

Gene: PSTPIP1 (proline-serine-threonine phosphatase interacting protein 1; plus strand). Cytogenetic location: 15q24.3.
Variant type: single nucleotide variant.
Coding change: c.74T>C on transcript NM_003978.5 (MANE Select); coding-DNA position 74, T replaced by C.
Protein change: p.Leu25Pro; replaces leucine 25 with proline.
Molecular consequence: missense variant. On other transcripts: non-coding transcript variant (1).
Genome position (GRCh38, 1-based): chr15:77,018,185, T>C. VCF-style: chr15-77018185-T-C. GRCh37 (hg19) VCF-style: chr15-77310526-T-C.
Other names: c.74T>C, p.Leu25Pro (NM_001321135.2, NM_001411086.1); c.47T>C, p.Leu16Pro (NM_001321136.2); c.269T>C, p.Leu90Pro (NM_001321137.1); short protein forms L16P, L90P, L25P.
Identifiers: ClinVar variation 2879256 (VCV002879256.3), dbSNP rs2076088849, ClinGen allele CA393518208.
Genomic context (GRCh38, chr15:77,018,185, plus strand): 5'-TGTCCTTCTGTCCTGTGTCACAGTGCAGGGACTTCACAGCCCACACGGGCTACGAGGTGC[T>C]GCTGCAGCGGCTTCTGGATGGCAGGAAGATGTGCAAAGACATGGAGGAGCTACTGAGGCA-3'
Protein context (NP_003969.2, residues 15-35): DFTAHTGYEV[Leu25Pro]LQRLLDGRKM